The following is an entry in ClinVar:

NM_016653.3(MAP3K20):c.2320C>T (p.Arg774Trp)

Genes: MAP3K20 (mitogen-activated protein kinase kinase kinase 20; plus strand), MAP3K20-AS1 (MAP3K20 antisense RNA 1; minus strand). Cytogenetic location: 2q31.1.
Variant type: single nucleotide variant.
Coding change: c.2320C>T on transcript NM_016653.3 (MANE Select); coding-DNA position 2320, C replaced by T.
Protein change: p.Arg774Trp; replaces arginine 774 with tryptophan.
Molecular consequence: missense variant.
Genome position (GRCh38, 1-based): chr2:173,266,667, C>T. VCF-style: chr2-173266667-C-T. GRCh37 (hg19) VCF-style: chr2-174131395-C-T.
Other names: short protein forms R774W.
Identifiers: ClinVar variation 1512223 (VCV001512223.7), dbSNP rs189762454, ClinGen allele CA1971073.

ClinVar aggregate classification (germline): Uncertain significance. Review status: criteria provided, multiple submitters, no conflicts (2 of 4 stars). 2 submissions from 2 submitters: Uncertain significance (2). Last evaluated 2024-02-19.

Allele frequency attached by ClinVar (database versions not stated): gnomAD 0.00001; gnomAD exomes 0.00001 and 0.00002; ExAC 0.00003; 1000 Genomes Project 30x 0.00016; 1000 Genomes Project 0.00020.
gnomAD v4.1: 21 of 1,609,882 alleles (0.0013%); highest among the groups gnomAD compares: East Asian, 0.0022%; no homozygotes.

Submissions (2):

Blueprint Genetics
Classification: Uncertain significance. Last evaluated: 2024-02-19. Review status: criteria provided, single submitter. Criteria: ACMG Guidelines, 2015. Collection method: clinical testing. Allele origin: germline.

Labcorp Genetics (formerly Invitae), Labcorp
Classification: Uncertain significance. Last evaluated: 2022-03-18. Review status: criteria provided, single submitter. Criteria: Invitae Variant Classification Sherloc (09022015). Collection method: clinical testing. Allele origin: germline.
Comment: Experimental studies and prediction algorithms are not available or were not evaluated, and the functional significance of this variant is currently unknown. In summary, the available evidence is currently insufficient to determine the role of this variant in disease. Therefore, it has been classified as a Variant of Uncertain Significance. This variant has not been reported in the literature in individuals affected with MAP3K20-related conditions. This sequence change replaces arginine with tryptophan at codon 774 of the MAP3K20 protein (p.Arg774Trp). The arginine residue is moderately conserved and there is a moderate physicochemical difference between arginine and tryptophan. This variant is present in population databases (rs189762454, gnomAD 0.006%).